The following is an entry in ClinVar:

NM_032043.3(BRIP1):c.2754C>T (p.Thr918=)

Gene: BRIP1 (BRCA1 interacting DNA helicase 1; minus strand). Cytogenetic location: 17q23.2.
Variant type: single nucleotide variant.
Coding change: c.2754C>T on transcript NM_032043.3 (MANE Select); coding-DNA position 2754, C replaced by T.
Protein change: p.Thr918=; no amino-acid change (threonine 918 retained).
Molecular consequence: synonymous variant.
Genome position (GRCh38, 1-based): chr17:61,685,987, G>A on the plus strand (C>T on the coding strand, the complement: BRIP1 is on the minus strand). VCF-style: chr17-61685987-G-A. GRCh37 (hg19) VCF-style: chr17-59763348-G-A.
Identifiers: ClinVar variation 241645 (VCV000241645.17), dbSNP rs878855148, ClinGen allele CA10583620.

ClinVar aggregate classification (germline): Benign/Likely benign. Review status: criteria provided, multiple submitters, no conflicts (2 of 4 stars). 3 submissions from 3 submitters: Benign (1); Likely benign (2). Last evaluated 2024-09-05.

Conditions:
Familial cancer of breast. Also called: BREAST CANCER, FAMILIAL; Hereditary breast cancer; hereditary breast carcinoma. Identifiers: Orphanet 227535, MedGen C0346153, MONDO:0016419, OMIM 114480. Disease mechanism: loss of function.
Fanconi anemia complementation group J. Also called: BRIP1-Related Fanconi Anemia. Identifiers: Orphanet 84, MedGen C1836860, MONDO:0012187, OMIM 609054.
Hereditary cancer-predisposing syndrome. Also called: Neoplastic Syndromes, Hereditary; Tumor predisposition; Hereditary neoplastic syndrome; Hereditary Cancer Syndrome. Identifiers: Orphanet 140162, MedGen C0027672, MeSH D009386, MONDO:0015356.

Allele frequency attached by ClinVar (database versions not stated): gnomAD exomes below 0.00001.
gnomAD v4.1: 1 of 1,613,912 alleles (0.000062%); highest among the groups gnomAD compares: Non-Finnish European, 0.000085%; no homozygotes.

Submissions (3):

Myriad Genetics, Inc.
Classification: Benign for Familial cancer of breast. Last evaluated: 2024-09-05. Review status: criteria provided, single submitter. Criteria: Myriad Autosomal Dominant, Autosomal Recessive and X-Linked Classification Criteria (2023). Collection method: clinical testing. Allele origin: unknown.
Comment: This variant is considered benign. This variant is a silent/synonymous amino acid change and it is not expected to impact splicing.

Labcorp Genetics (formerly Invitae), Labcorp
Classification: Likely benign for Familial cancer of breast; Fanconi anemia complementation group J. Last evaluated: 2020-02-11. Review status: criteria provided, single submitter. Criteria: Invitae Variant Classification Sherloc (09022015). Collection method: clinical testing. Allele origin: germline.

Ambry Genetics
Classification: Likely benign for Hereditary cancer-predisposing syndrome. Last evaluated: 2018-05-14. Review status: criteria provided, single submitter. Criteria: Ambry Variant Classification Scheme 2023. Collection method: clinical testing. Allele origin: germline.